The following is an entry in ClinVar:

NM_000053.4(ATP7B):c.635G>A (p.Ser212Asn)

Gene: ATP7B (ATPase copper transporting beta; minus strand). Cytogenetic location: 13q14.3.
Variant type: single nucleotide variant.
Coding change: c.635G>A on transcript NM_000053.4 (MANE Select); coding-DNA position 635, G replaced by A.
Protein change: p.Ser212Asn; replaces serine 212 with asparagine.
Molecular consequence: missense variant.
Genome position (GRCh38, 1-based): chr13:51,974,585, C>T on the plus strand (G>A on the coding strand, the complement: ATP7B is on the minus strand). VCF-style: chr13-51974585-C-T. GRCh37 (hg19) VCF-style: chr13-52548721-C-T.
Other names: c.635G>A, p.Ser212Asn (NM_001406534.1, NM_001406535.1, NM_001406537.1 and 30 more transcripts); c.539G>A, p.Ser180Asn (NM_001406536.1, NM_001406539.1, NM_001406517.1 and 4 more transcripts); short protein forms S180N, S212N.
Identifiers: ClinVar variation 3071828 (VCV003071828.1), dbSNP rs2140094517, ClinGen allele CA388042197.

ClinVar aggregate classification (germline): Uncertain significance (1 of 4 stars; one submission).

Conditions:
Wilson disease (WND). Also called: Wilson's disease. Identifiers: Orphanet 905, MedGen C0019202, MONDO:0010200, OMIM 277900. Disease mechanism: loss of function.

Submission:

All of Us Research Program, National Institutes of Health
Classification: Uncertain significance for Wilson disease. Last evaluated: 2023-06-26. Review status: criteria provided, single submitter. Criteria: ACMG Guidelines, 2015. Collection method: clinical testing. Allele origin: germline. Inheritance: Autosomal recessive inheritance. Observed: 1 variant allele, 1 heterozygote.
Comment: This missense variant replaces serine with asparagine at codon 212 of the ATP7B protein. Computational prediction suggests that this variant may not impact protein structure and function (internally defined REVEL score threshold <= 0.5, PMID: 27666373). To our knowledge, functional studies have not been reported for this variant. This variant has not been reported in individuals affected with ATP7B-related disorders in the literature. This variant has not been identified in the general population by the Genome Aggregation Database (gnomAD). The available evidence is insufficient to determine the role of this variant in disease conclusively. Therefore, this variant is classified as a Variant of Uncertain Significance.

This study involves interpretation of variants in research participants for the purpose of population health screening. Participant phenotype was not available at the time of variant classification. Additional details can be found in publication PMID: 35346344, PMCID: PMC8962531